The following is an entry in ClinVar:

ClinVar aggregate classification (germline): Uncertain significance (1 of 4 stars; one submission).

Conditions:
Hereditary cancer-predisposing syndrome. Also called: Neoplastic Syndromes, Hereditary; Tumor predisposition; Hereditary neoplastic syndrome; Hereditary Cancer Syndrome. Identifiers: Orphanet 140162, MedGen C0027672, MeSH D009386, MONDO:0015356.

gnomAD v4.1: 1 of 1,596,226 alleles (0.000063%); no homozygotes.

Submission:

Ambry Genetics
Classification: Uncertain significance for Hereditary cancer-predisposing syndrome. Last evaluated: 2026-08-27. Review status: criteria provided, single submitter. Criteria: Ambry Variant Classification Scheme 2023. Collection method: clinical testing. Allele origin: germline.
Comment: The p.H1276N variant (also known as c.3826C>A), located in coding exon 23 of the PTCH1 gene, results from a C to A substitution at nucleotide position 3826. The histidine at codon 1276 is replaced by asparagine, an amino acid with similar properties. This amino acid position is conserved. In addition, this alteration is predicted to be tolerated by in silico analysis. Based on the available evidence, the clinical significance of this variant remains unclear.

NM_000264.5(PTCH1):c.3826C>A (p.His1276Asn)

Gene: PTCH1 (patched 1; minus strand). Cytogenetic location: 9q22.32.
Variant type: single nucleotide variant.
Coding change: c.3826C>A on transcript NM_000264.5 (MANE Select); coding-DNA position 3826, C replaced by A.
Protein change: p.His1276Asn; replaces histidine 1276 with asparagine.
Molecular consequence: missense variant. On other transcripts: non-coding transcript variant (1).
Genome position (GRCh38, 1-based): chr9:95,447,430, G>T on the plus strand (C>A on the coding strand, the complement: PTCH1 is on the minus strand). VCF-style: chr9-95447430-G-T. GRCh37 (hg19) VCF-style: chr9-98209712-G-T.
Other names: c.3373C>A, p.His1125Asn (NM_001083605.3, NM_001083606.3, NM_001083607.3 and 1 more transcripts); c.3670C>A, p.His1224Asn (NM_001354918.2); c.3628C>A, p.His1210Asn (NM_001083602.3); c.3823C>A, p.His1275Asn (NM_001083603.3); short protein forms H1125N, H1224N, H1275N, H1276N, H1210N.
Identifiers: ClinVar variation 5027421 (VCV005027421.1).